The following is an entry in ClinVar:

NM_000522.5(HOXA13):c.381CGC[9] (p.Ala133_Ser134insAlaAlaAla)

Genes: HOXA13 (homeobox A13; minus strand), LOC107126288 (NUP98-HOXA13 recombination region; plus strand). Cytogenetic location: 7p15.2.
Variant type: Microsatellite.
Coding change: c.381CGC[9] on transcript NM_000522.5 (MANE Select); nine copies in a row of the 3-base unit CGC starting at c.381; the reference has six copies in a row; three copies, 9 bases duplicated.
Protein change: p.Ala133_Ser134insAlaAlaAla.
Molecular consequence: inframe insertion.
Genome position (GRCh38, 1-based): chr7:27,199,680-27,199,688, GCGGCGGCG duplicated on the plus strand (CGCCGCCGC on the coding strand, the reverse complement: HOXA13 is on the minus strand); duplicating any 9 consecutive bases within chr7:27,199,680-27,199,699 gives the same sequence; the position shown is the placement nearest the transcript's 3' end. VCF-style (leftmost placement, unchanged base first): chr7-27199679-C-CGCGGCGGCG. GRCh37 (hg19) VCF-style: chr7-27239298-C-CGCGGCGGCG.
Identifiers: ClinVar variation 2983467 (VCV002983467.3), dbSNP rs955237055, ClinGen allele CA573759152.

ClinVar aggregate classification (germline): Uncertain significance (1 of 4 stars; one submission).

Submission:

Labcorp Genetics (formerly Invitae), Labcorp
Classification: Uncertain significance. Last evaluated: 2023-11-29. Review status: criteria provided, single submitter. Criteria: Invitae Variant Classification Sherloc (09022015). Collection method: clinical testing. Allele origin: germline.
Comment: This variant, c.390_398dup, results in the insertion of 3 amino acid(s) of the HOXA13 protein (p.Ala131_Ala133dup), but otherwise preserves the integrity of the reading frame. The frequency data for this variant in the population databases is considered unreliable, as metrics indicate poor data quality at this position in the gnomAD database. This variant has not been reported in the literature in individuals affected with HOXA13-related conditions. In summary, the available evidence is currently insufficient to determine the role of this variant in disease. Therefore, it has been classified as a Variant of Uncertain Significance.